The following is an entry in ClinVar:

NM_032578.4(MYPN):c.13A>C (p.Ser5Arg)

Gene: MYPN (myopalladin; plus strand). Cytogenetic location: 10q21.3.
Variant type: single nucleotide variant.
Coding change: c.13A>C on transcript NM_032578.4 (MANE Select); coding-DNA position 13, A replaced by C.
Protein change: p.Ser5Arg; replaces serine 5 with arginine.
Molecular consequence: missense variant. On other transcripts: 5 prime UTR variant (1), non-coding transcript variant (1).
Genome position (GRCh38, 1-based): chr10:68,121,451, A>C. VCF-style: chr10-68121451-A-C. GRCh37 (hg19) VCF-style: chr10-69881208-A-C.
Other names: c.13A>C, p.Ser5Arg (NM_001256267.2); c.-1110A>C (NM_001256268.2); short protein forms S5R.
Identifiers: ClinVar variation 544040 (VCV000544040.8), dbSNP rs1554839140, ClinGen allele CA377103427.

ClinVar aggregate classification (germline): Uncertain significance (1 of 4 stars; one submission).

Conditions:
Dilated cardiomyopathy 1KK (CMD1KK). Identifiers: Orphanet 154, Orphanet 75249, MedGen C3714995, MONDO:0014100, OMIM 615248.

Allele frequency attached by ClinVar (database versions not stated): gnomAD exomes below 0.00001.
gnomAD v4.1: 2 of 1,610,522 alleles (0.00012%); highest among the groups gnomAD compares: Non-Finnish European, 0.00017%; no homozygotes.

Submission:

Labcorp Genetics (formerly Invitae), Labcorp
Classification: Uncertain significance for Dilated cardiomyopathy 1KK. Last evaluated: 2024-02-24. Review status: criteria provided, single submitter. Criteria: Invitae Variant Classification Sherloc (09022015). Collection method: clinical testing. Allele origin: germline.
Comment: This sequence change replaces serine, which is neutral and polar, with arginine, which is basic and polar, at codon 5 of the MYPN protein (p.Ser5Arg). This variant is not present in population databases (gnomAD no frequency). This variant has not been reported in the literature in individuals affected with MYPN-related conditions. ClinVar contains an entry for this variant (Variation ID: 544040). An algorithm developed to predict the effect of missense changes on protein structure and function (PolyPhen-2) suggests that this variant is likely to be tolerated. In summary, the available evidence is currently insufficient to determine the role of this variant in disease. Therefore, it has been classified as a Variant of Uncertain Significance.